The following is an entry in ClinVar:

ClinVar aggregate classification (germline): Uncertain significance. Review status: criteria provided, multiple submitters, no conflicts (2 of 4 stars). 2 submissions from 2 submitters: Uncertain significance (2). Last evaluated 2024-06-25.

Allele frequency attached by ClinVar (database versions not stated): gnomAD exomes below 0.00001; gnomAD 0.00001.
gnomAD v4.1: 7 of 1,442,362 alleles (0.00049%); highest among the groups gnomAD compares: African/African-American, 0.0015%; no homozygotes.

Submissions (2):

Ambry Genetics
Classification: Uncertain significance. Last evaluated: 2024-06-25. Review status: criteria provided, single submitter. Criteria: Ambry Variant Classification Scheme 2023. Collection method: clinical testing. Allele origin: germline.

Labcorp Genetics (formerly Invitae), Labcorp
Classification: Uncertain significance. Last evaluated: 2022-07-08. Review status: criteria provided, single submitter. Criteria: Invitae Variant Classification Sherloc (09022015). Collection method: clinical testing. Allele origin: germline.
Comment: This sequence change replaces proline, which is neutral and non-polar, with leucine, which is neutral and non-polar, at codon 15 of the LIPT2 protein (p.Pro15Leu). This variant is present in population databases (no rsID available, gnomAD 0.01%). This variant has not been reported in the literature in individuals affected with LIPT2-related conditions. Algorithms developed to predict the effect of missense changes on protein structure and function are either unavailable or do not agree on the potential impact of this missense change (SIFT: "Not Available"; PolyPhen-2: "Benign"; Align-GVGD: "Not Available"). In summary, the available evidence is currently insufficient to determine the role of this variant in disease. Therefore, it has been classified as a Variant of Uncertain Significance.

NM_001144869.3(LIPT2):c.44C>T (p.Pro15Leu)

Genes: LIPT2 (lipoyl(octanoyl) transferase 2; minus strand), LIPT2-AS1 (LIPT2 antisense RNA 1; plus strand). Cytogenetic location: 11q13.4.
Variant type: single nucleotide variant.
Coding change: c.44C>T on transcript NM_001144869.3 (MANE Select); coding-DNA position 44, C replaced by T.
Protein change: p.Pro15Leu; replaces proline 15 with leucine.
Molecular consequence: missense variant. On other transcripts: non-coding transcript variant (1).
Genome position (GRCh38, 1-based): chr11:74,493,660, G>A on the plus strand (C>T on the coding strand, the complement: LIPT2 is on the minus strand). VCF-style: chr11-74493660-G-A. GRCh37 (hg19) VCF-style: chr11-74204705-G-A.
Other names: c.44C>T, p.Pro15Leu (NM_001329941.2, NM_001329942.2); c.44C>T (NM_001144869.1); short protein forms P15L.
Identifiers: ClinVar variation 1904882 (VCV001904882.6), dbSNP rs999666888, ClinGen allele CA224979337.